The following is an entry in ClinVar:

ClinVar aggregate classification (germline): Uncertain significance (1 of 4 stars; one submission).

Conditions:
Cardiovascular phenotype. Identifiers: MedGen CN230736.

gnomAD v4.1: 1 of 1,613,962 alleles (0.000062%); no homozygotes.

Submission:

Ambry Genetics
Classification: Uncertain significance for Cardiovascular phenotype. Last evaluated: 2024-07-29. Review status: criteria provided, single submitter. Criteria: Ambry Variant Classification Scheme 2023. Collection method: clinical testing. Allele origin: germline.
Comment: The p.S1872F variant (also known as c.5615C>T), located in coding exon 24 of the DSP gene, results from a C to T substitution at nucleotide position 5615. The serine at codon 1872 is replaced by phenylalanine, an amino acid with highly dissimilar properties. This amino acid position is conserved. In addition, this alteration is predicted to be tolerated by in silico analysis. Based on the available evidence, the clinical significance of this variant remains unclear.

NM_004415.4(DSP):c.5615C>T (p.Ser1872Phe)

Gene: DSP (desmoplakin; plus strand). Cytogenetic location: 6p24.3.
Variant type: single nucleotide variant.
Coding change: c.5615C>T on transcript NM_004415.4 (MANE Select); coding-DNA position 5615, C replaced by T.
Protein change: p.Ser1872Phe; replaces serine 1872 with phenylalanine.
Molecular consequence: missense variant.
Genome position (GRCh38, 1-based): chr6:7,582,877, C>T. VCF-style: chr6-7582877-C-T. GRCh37 (hg19) VCF-style: chr6-7583110-C-T.
Other names: c.3818C>T, p.Ser1273Phe (NM_001008844.3); c.4286C>T, p.Ser1429Phe (NM_001319034.2); short protein forms S1872F, S1273F, S1429F.
Identifiers: ClinVar variation 3505482 (VCV003505482.1).